The following is an entry in ClinVar:

ClinVar aggregate classification (germline): Pathogenic. Review status: criteria provided, multiple submitters, no conflicts (2 of 4 stars). 2 submissions from 2 submitters: Pathogenic (2). Last evaluated 2023-11-02.

Allele frequency attached by ClinVar (database versions not stated): gnomAD exomes below 0.00001; ExAC 0.00001.
gnomAD v4.1: 3 of 1,504,038 alleles (0.0002%); highest among the groups gnomAD compares: South Asian, 0.0023%; no homozygotes.

Submissions (2):

Labcorp Genetics (formerly Invitae), Labcorp
Classification: Pathogenic. Last evaluated: 2023-11-02. Review status: criteria provided, single submitter. Criteria: Invitae Variant Classification Sherloc (09022015). Collection method: clinical testing. Allele origin: germline.
Comment: This sequence change creates a premature translational stop signal (p.Gln351*) in the CYP19A1 gene. It is expected to result in an absent or disrupted protein product. Loss-of-function variants in CYP19A1 are known to be pathogenic (PMID: 14602738, 27086564, 27256151). This variant is present in population databases (rs781574524, gnomAD 0.003%). This variant has not been reported in the literature in individuals affected with CYP19A1-related conditions. ClinVar contains an entry for this variant (Variation ID: 523831). For these reasons, this variant has been classified as Pathogenic.

GeneDx
Classification: Pathogenic. Last evaluated: 2018-03-20. Review status: criteria provided, single submitter. Criteria: GeneDx Variant Classification (06012015). Collection method: clinical testing. Allele origin: germline. Affected: yes.
Comment: The Q351X variant in the CYP19A1 gene has not been reported previously as a pathogenic variant nor as a benign variant, to our knowledge. This variant is predicted to cause loss of normal protein function either through protein truncation or nonsense-mediated mRNA decay. The Q351X variant is not observed at a significant frequency in large population cohorts (Lek et al., 2016). We interpret Q351X as a pathogenic variant.

Literature cited by the submitters: PubMed 14602738 (cited by Labcorp Genetics (formerly Invitae), Labcorp); PubMed 27086564 (cited by Labcorp Genetics (formerly Invitae), Labcorp); PubMed 27256151 (cited by Labcorp Genetics (formerly Invitae), Labcorp).

NM_000103.4(CYP19A1):c.1051C>T (p.Gln351Ter)

Genes: CYP19A1 (cytochrome P450 family 19 subfamily A member 1; minus strand), MIR4713HG (MIR4713 host gene; plus strand), PIRC66 (piwi-interacting RNA cluster 66; plus strand). Cytogenetic location: 15q21.2.
Variant type: single nucleotide variant.
Coding change: c.1051C>T on transcript NM_000103.4 (MANE Select); coding-DNA position 1051, C replaced by T.
Protein change: p.Gln351Ter; replaces glutamine 351 with a stop codon.
Molecular consequence: nonsense.
Genome position (GRCh38, 1-based): chr15:51,212,532, G>A on the plus strand (C>T on the coding strand, the complement: CYP19A1 is on the minus strand). VCF-style: chr15-51212532-G-A. GRCh37 (hg19) VCF-style: chr15-51504729-G-A.
Other names: c.1051C>T, p.Gln351Ter (NM_001347248.1, NM_001347249.2, NM_001347250.2 and 7 more transcripts); short protein forms Q351*.
Identifiers: ClinVar variation 523831 (VCV000523831.5), dbSNP rs781574524, ClinGen allele CA7559875.
Genomic context (GRCh38, chr15:51,212,532, plus strand): 5'-CCACGACAGGCTGGTACCGCATGCTCTCATAAATGAAGTTTTCCATCACTTTTAATTTTT[G>A]TATATCATCAATCTTTATGTCTCTCTCACCTGTGGAAACAGATAAAAGGAACAAAGAAGG-3'